The following is an entry in ClinVar:

ClinVar aggregate classification (germline): Uncertain significance. Review status: criteria provided, multiple submitters, no conflicts (2 of 4 stars). 2 submissions from 2 submitters: Uncertain significance (2). Last evaluated 2019-07-31.

Conditions:
Spermatogenic failure 18. Identifiers: MedGen C4539783, MONDO:0054615, OMIM 617576.
Ciliary dyskinesia, primary, 37 (CILD37). Also called: CILIARY DYSKINESIA, PRIMARY, 37, WITH OR WITHOUT SITUS INVERSUS. Identifiers: MedGen C4539798, MONDO:0033204, OMIM 617577.

Allele frequency attached by ClinVar (database versions not stated): TOPMed below 0.00001.
gnomAD v4.1: 38 of 1,561,472 alleles (0.0024%); highest among the groups gnomAD compares: Non-Finnish European, 0.0031%; no homozygotes.

Submissions (2):

Labcorp Genetics (formerly Invitae), Labcorp
Classification: Uncertain significance for Ciliary dyskinesia, primary, 37; Spermatogenic failure 18. Last evaluated: 2019-07-31. Review status: criteria provided, single submitter. Criteria: Invitae Variant Classification Sherloc (09022015). Collection method: clinical testing. Allele origin: germline.
Comment: In summary, the available evidence is currently insufficient to determine the role of this variant in disease. Therefore, it has been classified as a Variant of Uncertain Significance. Nucleotide substitutions within the consensus splice site are a relatively common cause of aberrant splicing (PMID: 17576681, 9536098). Algorithms developed to predict the effect of sequence changes on RNA splicing suggest that this variant may disrupt the consensus splice site, but this prediction has not been confirmed by published transcriptional studies. Algorithms developed to predict the effect of missense changes on protein structure and function are either unavailable or do not agree on the potential impact of this missense change (SIFT: "Deleterious"; PolyPhen-2: "Possibly Damaging"; Align-GVGD: "Class C0"). This variant has not been reported in the literature in individuals with DNAH1-related conditions. This variant is present in population databases (rs775908803, ExAC 0.003%). This sequence change replaces arginine with glutamine at codon 3608 of the DNAH1 protein (p.Arg3608Gln). The arginine residue is highly conserved and there is a small physicochemical difference between arginine and glutamine. This variant also falls at the last nucleotide of exon 67 of the DNAH1 coding sequence, which is part of the consensus splice site for this exon.

Juno Genomics, Hangzhou Juno Genomics, Inc
Classification: Uncertain significance for Ciliary dyskinesia, primary, 37; Spermatogenic failure 18. Review status: criteria provided, single submitter. Criteria: ACMG Guidelines, 2015. Collection method: clinical testing. Allele origin: germline.
Comment: Absent from controls (or at extremely low frequency if recessive) in Genome Aggregation Database.;Multiple lines of computational evidence support a deleterious effect on the gene or gene product.

Literature cited by the submitters: PubMed 17576681 (cited by Labcorp Genetics (formerly Invitae), Labcorp); PubMed 9536098 (cited by Labcorp Genetics (formerly Invitae), Labcorp).

NM_015512.5(DNAH1):c.10823G>A (p.Arg3608Gln)

Gene: DNAH1 (dynein axonemal heavy chain 1; plus strand). Cytogenetic location: 3p21.1.
Variant type: single nucleotide variant.
Coding change: c.10823G>A on transcript NM_015512.5 (MANE Select); coding-DNA position 10823, G replaced by A.
Protein change: p.Arg3608Gln; replaces arginine 3608 with glutamine.
Molecular consequence: missense variant.
Genome position (GRCh38, 1-based): chr3:52,394,661, G>A. VCF-style: chr3-52394661-G-A. GRCh37 (hg19) VCF-style: chr3-52428677-G-A.
Other names: short protein forms R3608Q.
Identifiers: ClinVar variation 937373 (VCV000937373.9), dbSNP rs775908803, ClinGen allele CA2435958.